The following is an entry in ClinVar:

ClinVar aggregate classification (germline): Uncertain significance (1 of 4 stars; one submission).

Conditions:
Bloom syndrome (BLM). Also called: Bloom-Torre-Machacek syndrome. Identifiers: Orphanet 125, MedGen C0005859, MONDO:0008876, OMIM 210900.

Submission:

Labcorp Genetics (formerly Invitae), Labcorp
Classification: Uncertain significance for Bloom syndrome. Last evaluated: 2022-01-27. Review status: criteria provided, single submitter. Criteria: Invitae Variant Classification Sherloc (09022015). Collection method: clinical testing. Allele origin: germline.
Comment: In summary, the available evidence is currently insufficient to determine the role of this variant in disease. Therefore, it has been classified as a Variant of Uncertain Significance. Algorithms developed to predict the effect of sequence changes on RNA splicing suggest that this variant may create or strengthen a splice site. Algorithms developed to predict the effect of missense changes on protein structure and function are either unavailable or do not agree on the potential impact of this missense change (SIFT: "Tolerated"; PolyPhen-2: "Probably Damaging"; Align-GVGD: "Class C0"). This variant has not been reported in the literature in individuals affected with BLM-related conditions. This variant is not present in population databases (gnomAD no frequency). This sequence change replaces isoleucine, which is neutral and non-polar, with serine, which is neutral and polar, at codon 386 of the BLM protein (p.Ile386Ser).

NM_000057.4(BLM):c.1157T>G (p.Ile386Ser)

Gene: BLM (BLM RecQ like helicase; plus strand). Cytogenetic location: 15q26.1.
Variant type: single nucleotide variant.
Coding change: c.1157T>G on transcript NM_000057.4 (MANE Select); coding-DNA position 1157, T replaced by G.
Protein change: p.Ile386Ser; replaces isoleucine 386 with serine.
Molecular consequence: missense variant.
Genome position (GRCh38, 1-based): chr15:90,760,216, T>G. VCF-style: chr15-90760216-T-G. GRCh37 (hg19) VCF-style: chr15-91303446-T-G.
Other names: c.1157T>G, p.Ile386Ser (NM_001287246.2, NM_001287247.2); c.32T>G, p.Ile11Ser (NM_001287248.2); short protein forms I386S, I11S.
Identifiers: ClinVar variation 1346636 (VCV001346636.8), dbSNP rs2151157373, ClinGen allele CA393842437.